The following is an entry in ClinVar:

ClinVar aggregate classification (germline): Uncertain significance. Review status: criteria provided, multiple submitters, no conflicts (2 of 4 stars). 2 submissions from 2 submitters: Uncertain significance (2). Last evaluated 2025-10-07.

Allele frequency attached by ClinVar (database versions not stated): gnomAD 0.00001.
gnomAD v4.1: 10 of 1,547,392 alleles (0.00065%); highest among the groups gnomAD compares: African/African-American, 0.0027%; no homozygotes.

Submissions (2):

Women's Health and Genetics/Laboratory Corporation of America, LabCorp
Classification: Uncertain significance. Last evaluated: 2025-10-07. Review status: criteria provided, single submitter. Criteria: LabCorp Variant Classification Summary - May 2015. Collection method: clinical testing. Allele origin: germline.
Comment: Variant summary: ZNF469 c.2361C>G (p.His787Gln) results in a non-conservative amino acid change in the encoded protein sequence. Algorithms developed to predict the effect of missense changes on protein structure and function are either unavailable or do not agree on the potential impact of this missense change. The frequency data for this variant in gnomAD is considered unreliable, as metrics indicate poor data quality at this position. To our knowledge, no occurrence of c.2361C>G in individuals affected with ZNF469-related conditions and no experimental evidence demonstrating its impact on protein function have been reported. ClinVar contains an entry for this variant (Variation ID: 320884). Based on the evidence outlined above, the variant was classified as uncertain significance.

Labcorp Genetics (formerly Invitae), Labcorp
Classification: Uncertain significance. Last evaluated: 2025-05-12. Review status: criteria provided, single submitter. Criteria: Invitae Variant Classification Sherloc (09022015). Collection method: clinical testing. Allele origin: germline.
Comment: This sequence change replaces histidine, which is basic and polar, with glutamine, which is neutral and polar, at codon 787 of the ZNF469 protein (p.His787Gln). This variant is not present in population databases (gnomAD no frequency). This variant has not been reported in the literature in individuals affected with ZNF469-related conditions. ClinVar contains an entry for this variant (Variation ID: 320884). An algorithm developed to predict the effect of missense changes on protein structure and function (PolyPhen-2) suggests that this variant is likely to be tolerated. In summary, the available evidence is currently insufficient to determine the role of this variant in disease. Therefore, it has been classified as a Variant of Uncertain Significance.

NM_001367624.2(ZNF469):c.2361C>G (p.His787Gln)

Gene: ZNF469 (zinc finger protein 469; plus strand). Cytogenetic location: 16q24.2.
Variant type: single nucleotide variant.
Coding change: c.2361C>G on transcript NM_001367624.2 (MANE Select); coding-DNA position 2361, C replaced by G.
Protein change: p.His787Gln; replaces histidine 787 with glutamine.
Molecular consequence: missense variant.
Genome position (GRCh38, 1-based): chr16:88,429,831, C>G. VCF-style: chr16-88429831-C-G. GRCh37 (hg19) VCF-style: chr16-88496239-C-G.
Other names: short protein forms H787Q.
Identifiers: ClinVar variation 320884 (VCV000320884.7), dbSNP rs886052395, ClinGen allele CA10638588.
Genomic context (GRCh38, chr16:88,429,831, plus strand): 5'-TCCAGGCCCCCCTGGGCTCCCCTCGCCCCCCGCTGCCCCCAGAGTCCCTGCCGACGCACA[C>G]GCGGGCTTGCTCAGCCACGCGAAGACCTTCCTGTTAGCTGGGGACGCCCAGGCCGAGGGC-3'
Protein context (NP_001354553.1, residues 777-797): PAAPRVPADA[His787Gln]AGLLSHAKTF